The following is an entry in ClinVar:

NM_001374828.1(ARID1B):c.3709del (p.Ala1237fs)

Gene: ARID1B (AT-rich interaction domain 1B; plus strand). Cytogenetic location: 6q25.3.
Variant type: Deletion.
Coding change: c.3709del on transcript NM_001374828.1 (MANE Select); coding-DNA position 3709, one base deleted (G; older notation c.3709delG).
Protein change: p.Ala1237fs; shifts the reading frame from alanine 1237.
Molecular consequence: frameshift variant.
Genome position (GRCh38, 1-based): chr6:157,181,173, G deleted; the last of 2 consecutive G bases (chr6:157,181,172-157,181,173); deleting either gives the same sequence. VCF-style (leftmost placement, unchanged base first): chr6-157181171-TG-T. GRCh37 (hg19) VCF-style: chr6-157502305-TG-T.
Other names: c.3340delG (NM_020732.3); c.1210del, p.Ala404fs (NM_001363725.2); c.3589del, p.Ala1197fs (NM_001371656.1, NM_001374820.1); c.3550del, p.Ala1184fs (NM_017519.3); short protein forms A1237fs, A1197fs, A404fs, A1184fs.
Identifiers: ClinVar variation 817117 (VCV000817117.1), dbSNP rs1583464090, ClinGen allele CA915944780.
Genomic context (GRCh38, chr6:157,181,171, plus strand): 5'-TGGGCAAGAAGCCCCTGGACCTGTTCCGACTCTACGTCTGCGTCAAAGAGATCGGGGGTT[TG>T]GCCCAGGTAAGAATGAGTGAGGGAGGGGGTGAAAAAGGAAGCATTGTGGATAAGTTCTTA-3'

ClinVar aggregate classification (germline): Pathogenic (1 of 4 stars; one submission).

Submission:

GeneDx
Classification: Pathogenic. Last evaluated: 2018-07-06. Review status: criteria provided, single submitter. Criteria: GeneDx Variant Classification (06012015). Collection method: clinical testing. Allele origin: germline. Affected: yes.
Comment: The c.3340delG variant in the ARID1B gene has not been reported previously as a pathogenic variant nor as a benign variant, to our knowledge. The c.3340delG variant causes a frameshift starting with codon Alanine 1114, changes this amino acid to a Proline residue, and creates a premature Stop codon at position 16 of the new reading frame, denoted p.Ala1114ProfsX16. This variant is predicted to cause loss of normal protein function either through protein truncation or nonsense-mediated mRNA decay. The c.3340delG variant is not observed in large population cohorts (Lek et al., 2016). We interpret c.3340delG as a pathogenic variant.